The following is an entry in ClinVar:

ClinVar aggregate classification (germline): Conflicting classifications of pathogenicity. Review status: criteria provided, conflicting classifications (1 of 4 stars). 5 submissions from 5 submitters: Uncertain significance (1); Benign (1); Likely benign (3). Last evaluated 2026-01-29.

Conditions:
Hereditary cancer-predisposing syndrome. Also called: Neoplastic Syndromes, Hereditary; Hereditary neoplastic syndrome; Tumor predisposition; Hereditary Cancer Syndrome. Identifiers: Orphanet 140162, MedGen C0027672, MeSH D009386, MONDO:0015356.
Peutz-Jeghers syndrome (PJS). Also called: Peutz-Jeghers polyposis; Periorificial lentiginosis syndrome; POLYPOSIS, HAMARTOMATOUS INTESTINAL; POLYPS-AND-SPOTS SYNDROME. Identifiers: Orphanet 2869, MedGen C0031269, MeSH D010580, MONDO:0008280, OMIM 175200.

Allele frequency attached by ClinVar (database versions not stated): ExAC 0.00005.
gnomAD v4.1: 9 of 1,591,522 alleles (0.00057%); highest among the groups gnomAD compares: Non-Finnish European, 0.00077%; no homozygotes.

Submissions (5):

Labcorp Genetics (formerly Invitae), Labcorp
Classification: Likely benign for Peutz-Jeghers syndrome. Last evaluated: 2026-01-29. Review status: criteria provided, single submitter. Criteria: Invitae Variant Classification Sherloc (09022015). Collection method: clinical testing. Allele origin: germline.

Ambry Genetics
Classification: Likely benign for Hereditary cancer-predisposing syndrome. Last evaluated: 2025-11-14. Review status: criteria provided, single submitter. Criteria: Ambry Variant Classification Scheme 2023. Collection method: clinical testing. Allele origin: germline.

Color Diagnostics, LLC DBA Color Health
Classification: Likely benign for Hereditary cancer-predisposing syndrome. Last evaluated: 2025-06-25. Review status: criteria provided, single submitter. Criteria: ACMG Guidelines, 2015. Collection method: clinical testing. Allele origin: germline.

Myriad Genetics, Inc.
Classification: Benign for Peutz-Jeghers syndrome. Last evaluated: 2025-03-25. Review status: criteria provided, single submitter. Criteria: Myriad Autosomal Dominant, Autosomal Recessive and X-Linked Classification Criteria (2023). Collection method: clinical testing. Allele origin: unknown.
Comment: This variant is considered benign. This variant is a silent/synonymous amino acid change and it is not expected to impact splicing.

Quest Diagnostics Nichols Institute San Juan Capistrano
Classification: Uncertain significance. Last evaluated: 2023-12-20. Review status: criteria provided, single submitter. Criteria: Quest Diagnostics criteria. Collection method: clinical testing. Allele origin: unknown.
Comment: The STK11 c.399G>T (p.Val133=) synonymous variant has been identified in reportedly healthy individuals (PMID: 30287823 (2018), 36243179 (2022)). The frequency of this variant in the general population, 0.000014 (3/221374 chromosomes (Genome Aggregation Database)), is uninformative in the assessment of its pathogenicity. Analysis of this variant using software algorithms for the prediction of the effect of nucleotide changes on splicing yielded predictions that this variant does not affect STK11 mRNA splicing. Based on the available information, we are unable to determine the clinical significance of this variant.

Literature cited by the submitters: PubMed 30287823 (cited by Quest Diagnostics Nichols Institute San Juan Capistrano); PubMed 36243179 (cited by Quest Diagnostics Nichols Institute San Juan Capistrano).

NM_000455.5(STK11):c.399G>T (p.Val133=)

Gene: STK11 (serine/threonine kinase 11; plus strand). Cytogenetic location: 19p13.3.
Variant type: single nucleotide variant.
Coding change: c.399G>T on transcript NM_000455.5 (MANE Select); coding-DNA position 399, G replaced by T.
Protein change: p.Val133=; no amino-acid change (valine 133 retained).
Molecular consequence: synonymous variant.
Genome position (GRCh38, 1-based): chr19:1,219,348, G>T. VCF-style: chr19-1219348-G-T. GRCh37 (hg19) VCF-style: chr19-1219347-G-T.
Identifiers: ClinVar variation 793720 (VCV000793720.13), dbSNP rs757021648, ClinGen allele CA047496.